The following is an entry in ClinVar:

ClinVar aggregate classification (germline): Uncertain significance. Review status: reviewed by expert panel (3 of 4 stars). 3 submissions from 3 submitters: Uncertain significance (1). 2 of the submissions do not count toward it. Last evaluated 2025-12-19.

Conditions:
Immunodeficiency 14 (IMD14A). Also called: p110-DELTA-ACTIVATING MUTATION CAUSING SENESCENT T CELLS, LYMPHADENOPATHY, AND IMMUNODEFICIENCY; IMMUNODEFICIENCY 14A WITH LYMPHOPROLIFERATION, AUTOSOMAL DOMINANT; ACTIVATED PI3K-DELTA SYNDROME 1; Activated PI3K Delta Syndrome Type 1 (APDS1). Identifiers: Orphanet 397596, Orphanet 693661, MedGen C5907821, MONDO:0014222, OMIM 615513.

Allele frequency attached by ClinVar (database versions not stated): TOPMed below 0.00001; gnomAD 0.00001.

Submissions (3):

ClinGen Primary Immune Regulatory Disorders Variant Curation Expert Panel, ClinGen
Classification: Uncertain significance for Immunodeficiency 14. Last evaluated: 2025-12-19. Review status: reviewed by expert panel. Criteria: ClinGen AbDef ACMG Specifications PIK3CD V1.0.0. Collection method: curation. Allele origin: germline. Inheritance: Autosomal dominant inheritance.
Comment: NM_005026.5(PIK3CD):c.419G>A (p.Arg140His) is a missense variant causing replacement of arginine by histidine at amino acid 140. This variant is present in gnomAD v4.1.0 at a total combined allele frequency of 0.0000006202, with 1 allele / 1,612,374 total alleles across all populations of gnomAD, which is lower than the ClinGen Antibody Deficiencies VCEP PM2_Supporting threshold of <0.00000132 (PM2_Supporting). At least one patient harboring this variant has been reported in ClinVar to exhibit a phenotype consistent with immunodeficiency 14, including functional studies indicating that activated T cells from the patient show a gain of mTOR function based on phospho-AKT and phospho-S6 levels (SCV004801381.3). A second ClinVar submission is believed to refer to the same patient (SCV004363908.2). Private communication with the clinician provided detailed phenotypes but did not reach the 6 points required to meet the PS4_Supporting code (5 total points, ClinVar accession numbers SCV004801381.3, SCV004363908.2). The patient was reported to harbor this variant as a de novo occurrence (ClinVar accession number SCV004801381.3), however, private communication with the clinician confirmed that availability of parental genotyping was not sufficient to establish the de novo origin of the variant. The computational predictor REVEL gives a score of 0.597, which is below the ClinGen Antibody Deficiencies VCEP threshold of >0.644 and does not predict a damaging effect on PIK3CD function. The computational predictor CADD gives a PHRED score of 32.0, which is above the ClinGen Antibody Deficiencies VCEP threshold of >20 and predicts a deleterious effect on PIK3CD function. Because the two predictors do not agree on a damaging effect, PP3 is not met. In summary, this variant meets the criteria to be classified as a variant of uncertain significance for autosomal dominant immunodeficiency 14 based on the ACMG/AMP criteria applied, as specified by the ClinGen Antibody Deficiencies VCEP: PM2_Supporting. (VCEP specifications version 1.0.0).

Labcorp Genetics (formerly Invitae), Labcorp
Classification: Likely pathogenic for Activated PI3K-delta syndrome. Last evaluated: 2025-07-16. Review status: criteria provided, single submitter. Criteria: Invitae Variant Classification Sherloc (09022015). Collection method: clinical testing. Allele origin: germline. Not counted in ClinVar's aggregate classification.
Comment: This sequence change replaces arginine, which is basic and polar, with histidine, which is basic and polar, at codon 140 of the PIK3CD protein (p.Arg140His). This variant is not present in population databases (gnomAD no frequency). This missense change has been observed in individual(s) with activated PI3K delta syndrome (internal data). In at least one individual the variant was observed to be de novo. ClinVar contains an entry for this variant (Variation ID: 2703020). Invitae Evidence Modeling of protein sequence and biophysical properties (such as structural, functional, and spatial information, amino acid conservation, physicochemical variation, residue mobility, and thermodynamic stability) indicates that this missense variant is expected to disrupt PIK3CD protein function with a positive predictive value of 80%. In summary, the currently available evidence indicates that the variant is pathogenic, but additional data are needed to prove that conclusively. Therefore, this variant has been classified as Likely Pathogenic.

Immunology Clinic, Ucla
Classification: Pathogenic for Immunodeficiency 14. Last evaluated: 2022-01-11. Review status: no assertion criteria provided. Collection method: research. Allele origin: germline, not applicable. Inheritance: Autosomal dominant inheritance. Affected: yes. Functional consequence: Increased function. Not counted in ClinVar's aggregate classification.
Comment: The variant is de novo. This variant is seen in only one het in gnomAD (1/152,124). Functional studies show gain of mTOR function in activated T cells (pAKT, pS6) following a published approach (Thauland 2019). In summary, the Arg140His variant meets our criteria to be classified as pathogenic based on segregation, consistent clinical phenotype with other cases, absence from controls, and functional evidence.

Literature cited by the submitters: PubMed 31031754 (cited by Immunology Clinic, Ucla).

NM_005026.5(PIK3CD):c.419G>A (p.Arg140His)

Gene: PIK3CD (phosphatidylinositol-4,5-bisphosphate 3-kinase catalytic subunit delta; plus strand). Cytogenetic location: 1p36.22.
Variant type: single nucleotide variant.
Coding change: c.419G>A on transcript NM_005026.5 (MANE Select); coding-DNA position 419, G replaced by A.
Protein change: p.Arg140His; replaces arginine 140 with histidine.
Molecular consequence: missense variant.
Genome position (GRCh38, 1-based): chr1:9,715,897, G>A. VCF-style: chr1-9715897-G-A. GRCh37 (hg19) VCF-style: chr1-9775955-G-A.
Other names: NM_005026.5(PIK3CD):c.419G>A; p.Arg140His; c.419G>A, p.Arg140His (NM_001350234.2, NM_001350235.1); short protein forms R140H.
Identifiers: ClinVar variation 2703020 (VCV002703020.7), dbSNP rs1647336657, ClinGen allele CA338300577.